The following is an entry in ClinVar:

NM_000077.5(CDKN2A):c.135dup (p.Arg46fs)

Gene: CDKN2A (cyclin dependent kinase inhibitor 2A; minus strand). Cytogenetic location: 9p21.3.
Variant type: Duplication.
Coding change: c.135dup on transcript NM_000077.5; coding-DNA position 135, one base duplicated (T; older notation c.135dupT).
Protein change: p.Arg46fs; shifts the reading frame from arginine 46.
Molecular consequence: frameshift variant (on NM_000077.6). On other transcripts: intron variant (2).
Genome position (GRCh38, 1-based): chr9:21,974,693, A duplicated on the plus strand (T on the coding strand, the reverse complement: CDKN2A is on the minus strand). VCF-style (leftmost placement, unchanged base first): chr9-21974692-G-GA. GRCh37 (hg19) VCF-style: chr9-21974691-G-GA.
Other names: c.135dup, p.Arg46Serfs (NM_000077.6); c.135dup, p.Arg46fs (NM_001195132.2, NM_058197.5); c.-3-3485dup (NM_001363763.2); c.194-3485dup (NM_058195.4); c.135dupT (NM_000077.4); short protein forms R46fs.
Identifiers: ClinVar variation 2449063 (VCV002449063.5), dbSNP rs2489290573, ClinGen allele CA2580080344.

ClinVar aggregate classification (germline): Pathogenic. Review status: criteria provided, multiple submitters, no conflicts (2 of 4 stars). 3 submissions from 3 submitters: Pathogenic (3). Last evaluated 2025-08-14.

Conditions:
Melanoma-pancreatic cancer syndrome. Identifiers: Orphanet 404560, MedGen C1838547, MONDO:0011713, OMIM 606719. Disease mechanism: loss of function.
Hereditary cancer-predisposing syndrome. Also called: Hereditary Cancer Syndrome; Neoplastic Syndromes, Hereditary; Tumor predisposition; Hereditary neoplastic syndrome. Identifiers: Orphanet 140162, MedGen C0027672, MeSH D009386, MONDO:0015356.
Familial melanoma. Also called: Hereditary melanoma; Hereditary cutaneous melanoma. Identifiers: Orphanet 618, MedGen C1512419, MONDO:0018961.

Submissions (3):

Myriad Genetics, Inc.
Classification: Pathogenic for Melanoma-pancreatic cancer syndrome. Last evaluated: 2025-08-14. Review status: criteria provided, single submitter. Criteria: Myriad Autosomal Dominant, Autosomal Recessive and X-Linked Classification Criteria (2023). Collection method: clinical testing. Allele origin: unknown.
Comment: This variant is considered pathogenic. This variant creates a frameshift predicted to result in premature protein truncation.

Labcorp Genetics (formerly Invitae), Labcorp
Classification: Pathogenic for Familial melanoma. Last evaluated: 2024-12-10. Review status: criteria provided, single submitter. Criteria: Invitae Variant Classification Sherloc (09022015). Collection method: clinical testing. Allele origin: germline.
Comment: This sequence change creates a premature translational stop signal (p.Arg46Serfs*74) in the CDKN2A (p16INK4a) gene. It is expected to result in an absent or disrupted protein product. Loss-of-function variants in CDKN2A (p16INK4a) are known to be pathogenic (PMID: 15146471, 16905682). This variant is not present in population databases (gnomAD no frequency). This variant has not been reported in the literature in individuals affected with CDKN2A (p16INK4a)-related conditions. ClinVar contains an entry for this variant (Variation ID: 2449063). For these reasons, this variant has been classified as Pathogenic.

Ambry Genetics
Classification: Pathogenic for Hereditary cancer-predisposing syndrome. Last evaluated: 2023-02-24. Review status: criteria provided, single submitter. Criteria: Ambry Variant Classification Scheme 2023. Collection method: clinical testing. Allele origin: germline.
Comment: The c.135dupT pathogenic mutation, located in coding exon 1 of the CDKN2A gene, results from a duplication of T at nucleotide position 135, causing a translational frameshift with a predicted alternate stop codon (p.R46Sfs*74). This variant is considered to be rare based on population cohorts in the Genome Aggregation Database (gnomAD). This alteration is expected to result in loss of function by premature protein truncation or nonsense-mediated mRNA decay. As such, this alteration is interpreted as a disease-causing mutation.

Literature cited by the submitters: PubMed 15146471 (cited by Labcorp Genetics (formerly Invitae), Labcorp); PubMed 16905682 (cited by Labcorp Genetics (formerly Invitae), Labcorp).